The following is an entry in ClinVar:

ClinVar aggregate classification (germline): Uncertain significance (1 of 4 stars; one submission).

Submission:

Ambry Genetics
Classification: Uncertain significance. Last evaluated: 2024-09-15. Review status: criteria provided, single submitter. Criteria: Ambry Variant Classification Scheme 2023. Collection method: clinical testing. Allele origin: germline.
Comment: The p.F1621L variant (also known as c.4863T>A), located in coding exon 43 of the KIF1B gene, results from a T to A substitution at nucleotide position 4863. The phenylalanine at codon 1621 is replaced by leucine, an amino acid with highly similar properties. This amino acid position is conserved. In addition, this alteration is predicted to be tolerated by in silico analysis. Based on the available evidence, the clinical significance of this variant remains unclear.

NM_001365951.3(KIF1B):c.5001T>A (p.Phe1667Leu)

Gene: KIF1B (kinesin family member 1B; plus strand). Cytogenetic location: 1p36.22.
Variant type: single nucleotide variant.
Coding change: c.5001T>A on transcript NM_001365951.3 (MANE Select); coding-DNA position 5001, T replaced by A.
Protein change: p.Phe1667Leu; replaces phenylalanine 1667 with leucine.
Molecular consequence: missense variant.
Genome position (GRCh38, 1-based): chr1:10,374,370, T>A. VCF-style: chr1-10374370-T-A. GRCh37 (hg19) VCF-style: chr1-10434428-T-A.
Other names: c.5001T>A, p.Phe1667Leu (NM_001365952.1); c.4863T>A, p.Phe1621Leu (NM_015074.3); short protein forms F1667L, F1621L.
Identifiers: ClinVar variation 3534017 (VCV003534017.1).